The following is an entry in ClinVar:

ClinVar aggregate classification (germline): Benign (1 of 4 stars; one submission).

Submission:

Mayo Clinic Laboratories, Mayo Clinic
Classification: Benign. Last evaluated: 2025-03-03. Review status: criteria provided, single submitter. Criteria: ACMG Guidelines, 2015. Collection method: clinical testing. Allele origin: germline. Observed: 14 variant alleles.
Comment: BA1

NM_003849.4(SUCLG1):c.98-16_98-11del

Gene: SUCLG1 (succinate-CoA ligase GDP/ADP-forming subunit alpha; minus strand). Cytogenetic location: 2p11.2.
Variant type: Deletion.
Coding change: c.98-16_98-11del on transcript NM_003849.4 (MANE Select); 16 bases into the intron before coding-DNA position 98 through 11 bases into the intron before coding-DNA position 98, 6 bases deleted (TTTTTT; older notation c.98-16_98-11delTTTTTT).
Molecular consequence: intron variant.
Genome position (GRCh38, 1-based): chr2:84,449,763-84,449,768, AAAAAA deleted on the plus strand (TTTTTT on the coding strand, the reverse complement: SUCLG1 is on the minus strand); deleting any 6 consecutive bases within chr2:84,449,763-84,449,787 gives the same sequence; the c. name uses the placement nearest the transcript's 3' end. VCF-style (leftmost placement, unchanged base first): chr2-84449762-TAAAAAA-T. GRCh37 (hg19) VCF-style: chr2-84676886-TAAAAAA-T.
Other names: p.?.
Identifiers: ClinVar variation 4684582 (VCV004684582.1).
Genomic context (GRCh38, chr2:84,449,762, plus strand): 5'-GATGTTGCCGAGAAGCTGTGTAGGAACAATGCCGAATTCCATTCTGCGGCACTAAGAGGT[TAAAAAA>T]AAAAAAAAAAAAAAAAAAAGACACATTATAATTTTTCTAAACTTTTGAACAATAATTCAA-3'